The following is an entry in ClinVar:

ClinVar aggregate classification (germline): Likely benign (1 of 4 stars; one submission).

Submission:

GeneDx
Classification: Likely benign. Last evaluated: 2024-02-13. Review status: criteria provided, single submitter. Criteria: GeneDx Variant Classification Process June 2021. Collection method: clinical testing. Allele origin: germline. Affected: yes.
Comment: See Variant Classification Assertion Criteria.

NM_144573.4(NEXN):c.-52-4del

Gene: NEXN (nexilin F-actin binding protein; plus strand). Cytogenetic location: 1p31.1.
Variant type: Deletion.
Coding change: c.-52-4del on transcript NM_144573.4 (MANE Select); 4 bases into the intron before 52 bases upstream of the start codon, one base deleted (T; older notation c.-52-4delT).
Molecular consequence: intron variant.
Genome position (GRCh38, 1-based): chr1:77,916,051, T deleted; the last of 7 consecutive T bases (chr1:77,916,045-77,916,051); deleting any one gives the same sequence. VCF-style (leftmost placement, unchanged base first): chr1-77916044-AT-A. GRCh37 (hg19) VCF-style: chr1-78381729-AT-A.
Other names: c.-52-4delT (NM_144573.3); c.-52-4del (NM_001172309.2).
Identifiers: ClinVar variation 518082 (VCV000518082.5), dbSNP rs972673849, ClinGen allele CA24704608.